The following is an entry in ClinVar:

NM_005263.5(GFI1):c.712A>C (p.Lys238Gln)

Gene: GFI1 (growth factor independent 1 transcriptional repressor; minus strand). Cytogenetic location: 1p22.1.
Variant type: single nucleotide variant.
Coding change: c.712A>C on transcript NM_005263.5 (MANE Select); coding-DNA position 712, A replaced by C.
Protein change: p.Lys238Gln; replaces lysine 238 with glutamine.
Molecular consequence: missense variant.
Genome position (GRCh38, 1-based): chr1:92,480,675, T>G on the plus strand (A>C on the coding strand, the complement: GFI1 is on the minus strand). VCF-style: chr1-92480675-T-G. GRCh37 (hg19) VCF-style: chr1-92946232-T-G.
Other names: c.712A>C, p.Lys238Gln (NM_001127215.3, NM_001127216.3); short protein forms K238Q.
Identifiers: ClinVar variation 3853740 (VCV003853740.1).

ClinVar aggregate classification (germline): Uncertain significance (1 of 4 stars; one submission).

gnomAD v4.1: 2 of 1,596,250 alleles (0.00013%); highest among the groups gnomAD compares: Non-Finnish European, 0.00017%; no homozygotes.

Submission:

Ambry Genetics
Classification: Uncertain significance. Last evaluated: 2025-03-04. Review status: criteria provided, single submitter. Criteria: Ambry Variant Classification Scheme 2023. Collection method: clinical testing. Allele origin: germline.
Comment: The p.K238Q variant (also known as c.712A>C), located in coding exon 3 of the GFI1 gene, results from an A to C substitution at nucleotide position 712. The lysine at codon 238 is replaced by glutamine, an amino acid with similar properties. This amino acid position is conserved. In addition, this alteration is predicted to be tolerated by in silico analysis. Based on the available evidence, the clinical significance of this variant remains unclear.